The following is an entry in ClinVar:

ClinVar aggregate classification (germline): Pathogenic (1 of 4 stars; one submission).

Conditions:
Diffuse cerebral and cerebellar atrophy - intractable seizures - progressive microcephaly syndrome. Also called: Microcephaly, progressive, with seizures and cerebral and cerebellar atrophy. Identifiers: Orphanet 404437, MedGen C4014239, MONDO:0014335, OMIM 615760.

Submission:

Labcorp Genetics (formerly Invitae), Labcorp
Classification: Pathogenic for Diffuse cerebral and cerebellar atrophy - intractable seizures - progressive microcephaly syndrome. Last evaluated: 2020-06-16. Review status: criteria provided, single submitter. Criteria: Invitae Variant Classification Sherloc (09022015). Collection method: clinical testing. Allele origin: germline.
Comment: For these reasons, this variant has been classified as Pathogenic. This sequence change creates a premature translational stop signal (p.Thr564Asnfs*35) in the QARS gene. It is expected to result in an absent or disrupted protein product. This variant is not present in population databases (ExAC no frequency). This variant has not been reported in the literature in individuals with QARS-related conditions. Loss-of-function variants in QARS are known to be pathogenic (PMID: 24656866, 25471517).

Literature cited by the submitters: PubMed 24656866; PubMed 25471517.

NM_005051.3(QARS1):c.1690dup (p.Thr564fs)

Gene: QARS1 (glutaminyl-tRNA synthetase 1; minus strand). Cytogenetic location: 3p21.31.
Variant type: Duplication.
Coding change: c.1690dup on transcript NM_005051.3 (MANE Select); coding-DNA position 1690, one base duplicated (A; older notation c.1690dupA).
Protein change: p.Thr564fs; shifts the reading frame from threonine 564.
Molecular consequence: frameshift variant. On other transcripts: non-coding transcript variant (1).
Genome position (GRCh38, 1-based): chr3:49,099,178, T duplicated on the plus strand (A on the coding strand, the reverse complement: QARS1 is on the minus strand). VCF-style (leftmost placement, unchanged base first): chr3-49099177-G-GT. GRCh37 (hg19) VCF-style: chr3-49136610-G-GT.
Other names: c.1657dup, p.Thr553fs (NM_001272073.2); short protein forms T553fs, T564fs.
Identifiers: ClinVar variation 1069544 (VCV001069544.5), dbSNP rs2107099019, ClinGen allele CA2499216885.